The following is an entry in ClinVar:

NM_006431.3(CCT2):c.1214G>A (p.Arg405Lys)

Gene: CCT2 (chaperonin containing TCP1 subunit 2; plus strand). Cytogenetic location: 12q15.
Variant type: single nucleotide variant.
Coding change: c.1214G>A on transcript NM_006431.3 (MANE Select); coding-DNA position 1214, G replaced by A.
Protein change: p.Arg405Lys; replaces arginine 405 with lysine.
Molecular consequence: missense variant.
Genome position (GRCh38, 1-based): chr12:69,597,749, G>A. VCF-style: chr12-69597749-G-A. GRCh37 (hg19) VCF-style: chr12-69991529-G-A.
Other names: c.1073G>A, p.Arg358Lys (NM_001198842.2); short protein forms R358K, R405K.
Identifiers: ClinVar variation 3728442 (VCV003728442.2).

ClinVar aggregate classification (germline): Uncertain significance (1 of 4 stars; one submission).

Submission:

Labcorp Genetics (formerly Invitae), Labcorp
Classification: Uncertain significance. Last evaluated: 2025-01-01. Review status: criteria provided, single submitter. Criteria: Invitae Variant Classification Sherloc (09022015). Collection method: clinical testing. Allele origin: germline.
Comment: This sequence change replaces arginine, which is basic and polar, with lysine, which is basic and polar, at codon 405 of the CCT2 protein (p.Arg405Lys). This variant is not present in population databases (gnomAD no frequency). This variant has not been reported in the literature in individuals affected with CCT2-related conditions. An algorithm developed to predict the effect of missense changes on protein structure and function (PolyPhen-2) suggests that this variant is likely to be tolerated. In summary, the available evidence is currently insufficient to determine the role of this variant in disease. Therefore, it has been classified as a Variant of Uncertain Significance.